The following is an entry in ClinVar:

NM_153704.6(TMEM67):c.1628C>T (p.Thr543Ile)

Gene: TMEM67 (transmembrane protein 67; plus strand). Cytogenetic location: 8q22.1.
Variant type: single nucleotide variant.
Coding change: c.1628C>T on transcript NM_153704.6 (MANE Select); coding-DNA position 1628, C replaced by T.
Protein change: p.Thr543Ile; replaces threonine 543 with isoleucine.
Molecular consequence: missense variant. On other transcripts: non-coding transcript variant (1).
Genome position (GRCh38, 1-based): chr8:93,793,250, C>T. VCF-style: chr8-93793250-C-T. GRCh37 (hg19) VCF-style: chr8-94805478-C-T.
Other names: c.1385C>T, p.Thr462Ile (NM_001142301.1); short protein forms T543I, T462I.
Identifiers: ClinVar variation 2147401 (VCV002147401.4), dbSNP rs200262529, ClinGen allele CA181338879.

ClinVar aggregate classification (germline): Uncertain significance (1 of 4 stars; one submission).

Conditions:
Joubert syndrome. Also called: CEREBELLOPARENCHYMAL DISORDER IV; JOUBERT-BOLTSHAUSER SYNDROME; Familial aplasia of the vermis. Identifiers: Orphanet 475, MedGen C5979921, MONDO:0018772.
Meckel-Gruber syndrome. Also called: DYSENCEPHALIA SPLANCHNOCYSTICA; GRUBER SYNDROME; Dysencephalia splachnocystica. Identifiers: Orphanet 564, MedGen C0265215, MONDO:0018921.

Allele frequency attached by ClinVar (database versions not stated): gnomAD exomes below 0.00001; TOPMed below 0.00001; gnomAD 0.00001.
gnomAD v4.1: 2 of 1,614,056 alleles (0.00012%); no homozygotes.

Submission:

Labcorp Genetics (formerly Invitae), Labcorp
Classification: Uncertain significance for Joubert syndrome; Meckel-Gruber syndrome. Last evaluated: 2022-10-05. Review status: criteria provided, single submitter. Criteria: Invitae Variant Classification Sherloc (09022015). Collection method: clinical testing. Allele origin: germline.
Comment: This sequence change replaces threonine, which is neutral and polar, with isoleucine, which is neutral and non-polar, at codon 543 of the TMEM67 protein (p.Thr543Ile). This variant is not present in population databases (gnomAD no frequency). In summary, the available evidence is currently insufficient to determine the role of this variant in disease. Therefore, it has been classified as a Variant of Uncertain Significance. Advanced modeling of protein sequence and biophysical properties (such as structural, functional, and spatial information, amino acid conservation, physicochemical variation, residue mobility, and thermodynamic stability) performed at Invitae indicates that this missense variant is expected to disrupt TMEM67 protein function. This variant has not been reported in the literature in individuals affected with TMEM67-related conditions.